The following is an entry in ClinVar:

ClinVar aggregate classification (germline): Pathogenic (1 of 4 stars; one submission).

Conditions:
Tuberous sclerosis 2 (TSC2). Identifiers: Orphanet 805, MedGen C1860707, MONDO:0013199, OMIM 613254.

Submission:

Labcorp Genetics (formerly Invitae), Labcorp
Classification: Pathogenic for Tuberous sclerosis 2. Last evaluated: 2023-06-23. Review status: criteria provided, single submitter. Criteria: Invitae Variant Classification Sherloc (09022015). Collection method: clinical testing. Allele origin: germline.
Comment: This sequence change creates a premature translational stop signal (p.Val461Cysfs*24) in the TSC2 gene. It is expected to result in an absent or disrupted protein product. Loss-of-function variants in TSC2 are known to be pathogenic (PMID: 10205261, 17304050). This variant is not present in population databases (gnomAD no frequency). This variant has not been reported in the literature in individuals affected with TSC2-related conditions. For these reasons, this variant has been classified as Pathogenic.

Literature cited by the submitters: PubMed 10205261; PubMed 17304050.

NM_000548.5(TSC2):c.1381del (p.Val461fs)

Gene: TSC2 (TSC complex subunit 2; plus strand). Cytogenetic location: 16p13.3.
Variant type: Deletion.
Coding change: c.1381del on transcript NM_000548.5 (MANE Select); coding-DNA position 1381, one base deleted (G; older notation c.1381delG).
Protein change: p.Val461fs; shifts the reading frame from valine 461.
Molecular consequence: frameshift variant. On other transcripts: non-coding transcript variant (5), intron variant (1).
Genome position (GRCh38, 1-based): chr16:2,062,991, G deleted. VCF-style (leftmost placement, unchanged base first): chr16-2062990-CG-C. GRCh37 (hg19) VCF-style: chr16-2112991-CG-C.
Other names: c.1381del, p.Val461fs (NM_001363528.2, NM_001370404.1, NM_001370405.1 and 6 more transcripts); c.1471del, p.Val491fs (NM_001406667.1, NM_001406668.1); c.1270del, p.Val424fs (NM_001406670.1, NM_001318827.2, NM_001406678.1); c.1369del, p.Val457fs (NM_001406671.1, NM_001406673.1); c.1234del, p.Val412fs (NM_001318829.2, NM_001406675.1, NM_001406676.1 and 1 more transcripts); c.781del, p.Val261fs (NM_001318831.2, NM_001406680.1, NM_001406682.1 and 6 more transcripts); c.1414del, p.Val472fs (NM_001318832.2); c.1324del, p.Val442fs (NM_001406677.1); and 3 more; short protein forms V457fs, V472fs, V13fs, V307fs, V412fs, V424fs, V442fs, V261fs.
Identifiers: ClinVar variation 2725955 (VCV002725955.3), dbSNP rs2548553008, ClinGen allele CA2697549631.
Genomic context (GRCh38, chr16:2,062,990, plus strand): 5'-CCGGGCACTCCCCACCCGCCCCAGCAGGCTGCCGTCCCGCAGGAGCGAGTCCCGAGGCGC[CG>C]TGCGCATCAAGGTGCTGGACGTGCTGTCCTTTGTGCTGCTCATCAACAGGCAGTTCTATG-3'